The following is an entry in ClinVar:

ClinVar aggregate classification (germline): Benign/Likely benign. Review status: criteria provided, multiple submitters, no conflicts (2 of 4 stars). 3 submissions from 3 submitters: Benign (1); Likely benign (1). 1 of the submissions does not count toward it. Last evaluated 2025-11-15.

Conditions:
PRPF4-related disorder. Also called: PRPF4-related condition.

Allele frequency attached by ClinVar (database versions not stated): gnomAD exomes 0.00006 and 0.00021; ExAC 0.00024; gnomAD 0.00055 and 0.00057; TOPMed 0.00061; ESP Exome Variant Server 0.00108; 1000 Genomes Project 0.00140; 1000 Genomes Project 30x 0.00172.

Submissions (3):

Labcorp Genetics (formerly Invitae), Labcorp
Classification: Benign. Last evaluated: 2025-11-15. Review status: criteria provided, single submitter. Criteria: Invitae Variant Classification Sherloc (09022015). Collection method: clinical testing. Allele origin: germline.

Blueprint Genetics
Classification: Likely benign. Last evaluated: 2023-08-17. Review status: criteria provided, single submitter. Criteria: ACMG Guidelines, 2015. Collection method: clinical testing. Allele origin: germline.

PreventionGenetics, part of Exact Sciences
Classification: Likely benign for PRPF4-related condition. Last evaluated: 2019-07-31. Review status: no assertion criteria provided. Collection method: clinical testing. Allele origin: germline. Not counted in ClinVar's aggregate classification.
Comment: This variant is classified as likely benign based on ACMG/AMP sequence variant interpretation guidelines (Richards et al. 2015 PMID: 25741868, with internal and published modifications).

NM_001244926.2(PRPF4):c.297T>C (p.Asn99=)

Gene: PRPF4 (pre-mRNA splicing tri-snRNP complex factor PRPF4; plus strand). Cytogenetic location: 9q32.
Variant type: single nucleotide variant.
Coding change: c.297T>C on transcript NM_001244926.2 (MANE Select); coding-DNA position 297, T replaced by C.
Protein change: p.Asn99=; no amino-acid change (asparagine 99 retained).
Molecular consequence: synonymous variant. On other transcripts: 5 prime UTR variant (2), non-coding transcript variant (2).
Genome position (GRCh38, 1-based): chr9:113,279,036, T>C. VCF-style: chr9-113279036-T-C. GRCh37 (hg19) VCF-style: chr9-116041316-T-C.
Other names: c.-469T>C (NM_001322266.2, NM_001322267.2); c.300T>C, p.Asn100= (NM_004697.5).
Identifiers: ClinVar variation 728471 (VCV000728471.14), dbSNP rs146246780, ClinGen allele CA5194825.